The following is an entry in ClinVar:

ClinVar aggregate classification (germline): Benign/Likely benign. Review status: criteria provided, multiple submitters, no conflicts (2 of 4 stars). 3 submissions from 3 submitters: Benign (1); Likely benign (2). Last evaluated 2025-02-27.

Conditions:
Pheochromocytoma/paraganglioma syndrome 5. Also called: Paragangliomas 5; SDHA-Related Hereditary Paraganglioma-Pheochromocytoma Syndrome. Identifiers: Orphanet 29072, MedGen C3279992, MONDO:0013602, OMIM 614165.
Mitochondrial complex II deficiency, nuclear type 1. Also called: SUCCINATE CoQ REDUCTASE DEFICIENCY. Identifiers: Orphanet 3208, MedGen C5700310, MONDO:0100294, OMIM 252011.
Hereditary cancer-predisposing syndrome. Also called: Tumor predisposition; Hereditary Cancer Syndrome; Hereditary neoplastic syndrome; Neoplastic Syndromes, Hereditary. Identifiers: Orphanet 140162, MedGen C0027672, MeSH D009386, MONDO:0015356.

Allele frequency attached by ClinVar (database versions not stated): gnomAD 0.00001.

Submissions (3):

Myriad Genetics, Inc.
Classification: Benign for Pheochromocytoma/paraganglioma syndrome 5. Last evaluated: 2025-02-27. Review status: criteria provided, single submitter. Criteria: Myriad Autosomal Dominant, Autosomal Recessive and X-Linked Classification Criteria (2023). Collection method: clinical testing. Allele origin: unknown.
Comment: This variant is considered benign. This variant is a silent/synonymous amino acid change and it is not expected to impact splicing.

Ambry Genetics
Classification: Likely benign for Hereditary cancer-predisposing syndrome. Last evaluated: 2024-12-15. Review status: criteria provided, single submitter. Criteria: Ambry Variant Classification Scheme 2023. Collection method: clinical testing. Allele origin: germline.

Labcorp Genetics (formerly Invitae), Labcorp
Classification: Likely benign for Pheochromocytoma/paraganglioma syndrome 5; Mitochondrial complex II deficiency, nuclear type 1. Last evaluated: 2023-10-22. Review status: criteria provided, single submitter. Criteria: Invitae Variant Classification Sherloc (09022015). Collection method: clinical testing. Allele origin: germline.

NM_004168.4(SDHA):c.15G>A (p.Arg5=)

Gene: SDHA (succinate dehydrogenase complex flavoprotein subunit A; plus strand). Cytogenetic location: 5p15.33.
Variant type: single nucleotide variant.
Coding change: c.15G>A on transcript NM_004168.4 (MANE Select); coding-DNA position 15, G replaced by A.
Protein change: p.Arg5=; no amino-acid change (arginine 5 retained).
Molecular consequence: synonymous variant.
Genome position (GRCh38, 1-based): chr5:218,370, G>A. VCF-style: chr5-218370-G-A. GRCh37 (hg19) VCF-style: chr5-218485-G-A.
Other names: c.15G>A, p.Arg5= (NM_001294332.2, NM_001330758.2); c.15G>A (NM_004168.2).
Identifiers: ClinVar variation 1554520 (VCV001554520.10), dbSNP rs1260744894, ClinGen allele CA442689532.